The following is an entry in ClinVar:

ClinVar aggregate classification (germline): Likely benign. Review status: criteria provided, multiple submitters, no conflicts (2 of 4 stars). 3 submissions from 3 submitters: Likely benign (2). 1 of the submissions does not count toward it. Last evaluated 2026-01-05.

Conditions:
COL5A1-related disorder. Also called: COL5A1-related condition.
Ehlers-Danlos syndrome, classic type, 1 (EDSCL1). Also called: Ehlers-Danlos Syndrome, Classic Type, COL5A1-Related; EHLERS-DANLOS SYNDROME, GRAVIS TYPE; EHLERS-DANLOS SYNDROME, SEVERE CLASSIC TYPE; Ehlers-Danlos syndrome, type 1; EDS I. Identifiers: MedGen C0268335, MONDO:0019567, OMIM 130000.
Familial thoracic aortic aneurysm and aortic dissection (TAAD). Also called: Thoracic aortic aneurysms and dissections. Identifiers: Orphanet 91387, MedGen C4707243, MONDO:0019625.

Allele frequency attached by ClinVar (database versions not stated): gnomAD 0.00001 and 0.00002; gnomAD exomes 0.00019; ExAC 0.00030; TOPMed 0.00005; 1000 Genomes Project 0.00020; 1000 Genomes Project 30x 0.00016.
gnomAD v4.1: 93 of 1,550,586 alleles (0.006%); highest among the groups gnomAD compares: East Asian, 0.12%; 2 homozygotes.

Submissions (3):

Labcorp Genetics (formerly Invitae), Labcorp
Classification: Likely benign for Ehlers-Danlos syndrome, classic type, 1. Last evaluated: 2026-01-05. Review status: criteria provided, single submitter. Criteria: Invitae Variant Classification Sherloc (09022015). Collection method: clinical testing. Allele origin: germline.

Ambry Genetics
Classification: Likely benign for Familial thoracic aortic aneurysm and aortic dissection. Last evaluated: 2021-12-20. Review status: criteria provided, single submitter. Criteria: Ambry Variant Classification Scheme 2023. Collection method: clinical testing. Allele origin: germline.

PreventionGenetics, part of Exact Sciences
Classification: Likely benign for COL5A1-related condition. Last evaluated: 2022-05-10. Review status: no assertion criteria provided. Collection method: clinical testing. Allele origin: germline. Not counted in ClinVar's aggregate classification.
Comment: This variant is classified as likely benign based on ACMG/AMP sequence variant interpretation guidelines (Richards et al. 2015 PMID: 25741868, with internal and published modifications).

NM_000093.5(COL5A1):c.3299C>T (p.Pro1100Leu)

Gene: COL5A1 (collagen type V alpha 1 chain; plus strand). Cytogenetic location: 9q34.3.
Variant type: single nucleotide variant.
Coding change: c.3299C>T on transcript NM_000093.5 (MANE Select); coding-DNA position 3299, C replaced by T.
Protein change: p.Pro1100Leu; replaces proline 1100 with leucine.
Molecular consequence: missense variant.
Genome position (GRCh38, 1-based): chr9:134,806,229, C>T. VCF-style: chr9-134806229-C-T. GRCh37 (hg19) VCF-style: chr9-137698075-C-T.
Other names: c.3299C>T, p.Pro1100Leu (NM_001278074.1); short protein forms P1100L.
Identifiers: ClinVar variation 212961 (VCV000212961.17), dbSNP rs564375308, ClinGen allele CA325349.